The following is an entry in ClinVar:

NM_005061.3(RPL3L):c.151G>A (p.Ala51Thr)

Gene: RPL3L (ribosomal protein L3 like; minus strand). Cytogenetic location: 16p13.3.
Variant type: single nucleotide variant.
Coding change: c.151G>A on transcript NM_005061.3 (MANE Select); coding-DNA position 151, G replaced by A.
Protein change: p.Ala51Thr; replaces alanine 51 with threonine.
Molecular consequence: missense variant.
Genome position (GRCh38, 1-based): chr16:1,954,001, C>T on the plus strand (G>A on the coding strand, the complement: RPL3L is on the minus strand). VCF-style: chr16-1954001-C-T. GRCh37 (hg19) VCF-style: chr16-2004002-C-T.
Other names: short protein forms A51T.
Identifiers: ClinVar variation 1802077 (VCV001802077.4), dbSNP rs143345186, ClinGen allele CA7823088.
Genomic context (GRCh38, chr16:1,954,001, plus strand): 5'-CCAACTGTGACTCACTGAGCCCCGGCCGGTGCACCTCCCGCAGGGTGTGGGTCATGCCCG[C>T]CTTGTAGCCCAGGAAGGCCGTGAGGTGCACGGGCTGGCTGGGGTCATCCCGCGGCCACGT-3'
Protein context (NP_005052.1, residues 41-61): VHLTAFLGYK[Ala51Thr]GMTHTLREVH

ClinVar aggregate classification (germline): Uncertain significance. Review status: criteria provided, multiple submitters, no conflicts (2 of 4 stars). 2 submissions from 2 submitters: Uncertain significance (2). Last evaluated 2023-05-20.

Conditions:
Cardiomyopathy, dilated, 2D. Identifiers: MedGen C5543535, MONDO:0030300, OMIM 619371.

Allele frequency attached by ClinVar (database versions not stated): ExAC 0.00011; gnomAD 0.00035; ESP Exome Variant Server 0.00039; TOPMed 0.00046; 1000 Genomes Project 30x 0.00047; 1000 Genomes Project 0.00060.
gnomAD v4.1: 107 of 1,599,580 alleles (0.0067%); highest among the groups gnomAD compares: African/African-American, 0.12%; no homozygotes.

Submissions (2):

Neuberg Centre For Genomic Medicine, NCGM
Classification: Uncertain significance for Cardiomyopathy, dilated, 2D. Last evaluated: 2023-05-20. Review status: criteria provided, single submitter. Criteria: ACMG Guidelines, 2015. Collection method: clinical testing. Allele origin: germline. Inheritance: Autosomal recessive inheritance. Affected: yes.
Comment: The missense variant c.151G>A(p.Ala51Thr) in RPL3L gene has been reported in compound heterozygous state in patient(s) affected with dilated cardiomyopathy (Das, et. al., 2022). The observed variant has allele frequency of 0.007% in gnomAD exomes database. This variant has been submitted to the ClinVar database as Uncertain Significance (VUS). Multiple lines of computational evidence (Polyphen - probably damaging, SIFT - damaging and MutationTaster - disease causing) predict a damaging effect on protein structure and function for this variant. The reference amino acid change p.Ala51Thr in RPL3L is predicted as conserved by GERP++ and PhyloP across 100 vertebrates. The amino acid Ala at position 51 is changed to a Thr changing protein sequence and it might alter its composition and physico-chemical properties. For these reasons, this variant has been classified as Uncertain Significance (VUS). In the absence of another reportable variant in RPL3L gene, the molecular diagnosis is not confirmed.

GeneDx
Classification: Uncertain significance. Last evaluated: 2022-06-04. Review status: criteria provided, single submitter. Criteria: GeneDx Variant Classification Process June 2021. Collection method: clinical testing. Allele origin: germline. Affected: yes.
Comment: Identified in a cohort of Cameroonian individuals with non-syndromic hearing impairment and ethnically matched controls (Wonkam et al., 2021); In silico analysis supports that this missense variant has a deleterious effect on protein structure/function; This variant is associated with the following publications: (PMID: 33078831)